The following is an entry in ClinVar:

NM_006662.3(SRCAP):c.5025G>A (p.Pro1675=)

Gene: SRCAP (Snf2 related CREBBP activator protein; plus strand). Cytogenetic location: 16p11.2.
Variant type: single nucleotide variant.
Coding change: c.5025G>A on transcript NM_006662.3 (MANE Select); coding-DNA position 5025, G replaced by A.
Protein change: p.Pro1675=; no amino-acid change (proline 1675 retained).
Molecular consequence: synonymous variant.
Genome position (GRCh38, 1-based): chr16:30,724,449, G>A. VCF-style: chr16-30724449-G-A. GRCh37 (hg19) VCF-style: chr16-30735770-G-A.
Identifiers: ClinVar variation 2415404 (VCV002415404.12), dbSNP rs751937072, ClinGen allele CA8011884.

ClinVar aggregate classification (germline): Likely benign. Review status: criteria provided, multiple submitters, no conflicts (2 of 4 stars). 2 submissions from 2 submitters: Likely benign (2). Last evaluated 2025-12-01.

Allele frequency attached by ClinVar (database versions not stated): gnomAD 0.00001; gnomAD exomes 0.00001; TOPMed 0.00001; ExAC 0.00004.
gnomAD v4.1: 13 of 1,614,046 alleles (0.00081%); highest among the groups gnomAD compares: Admixed American, 0.013%; no homozygotes.

Submissions (2):

CeGaT Center for Human Genetics Tuebingen
Classification: Likely benign. Last evaluated: 2025-12-01. Review status: criteria provided, single submitter. Criteria: CeGaT Center For Human Genetics Tuebingen Variant Classification Criteria Version 2. Collection method: clinical testing. Allele origin: germline. Affected: yes. Observed: 1 variant allele.
Comment: SRCAP: BP4, BP7

Labcorp Genetics (formerly Invitae), Labcorp
Classification: Likely benign. Last evaluated: 2025-03-10. Review status: criteria provided, single submitter. Criteria: Invitae Variant Classification Sherloc (09022015). Collection method: clinical testing. Allele origin: germline.